The following is an entry in ClinVar:

ClinVar aggregate classification (germline): Uncertain significance (1 of 4 stars; one submission).

Conditions:
Holoprosencephaly 5 (HPE5). Identifiers: Orphanet 2162, MedGen C1864827, MONDO:0012322, OMIM 609637.

gnomAD v4.1: 1 of 1,515,244 alleles (0.000066%); highest among the groups gnomAD compares: Admixed American, 0.0021%; no homozygotes.

Submission:

Labcorp Genetics (formerly Invitae), Labcorp
Classification: Uncertain significance for Holoprosencephaly 5. Last evaluated: 2025-05-27. Review status: criteria provided, single submitter. Criteria: Invitae Variant Classification Sherloc (09022015). Collection method: clinical testing. Allele origin: germline.
Comment: This sequence change replaces serine, which is neutral and polar, with alanine, which is neutral and non-polar, at codon 151 of the ZIC2 protein (p.Ser151Ala). This variant is present in population databases (no rsID available, gnomAD 0.009%). This variant has not been reported in the literature in individuals affected with ZIC2-related conditions. Invitae Evidence Modeling of protein sequence and biophysical properties (such as structural, functional, and spatial information, amino acid conservation, physicochemical variation, residue mobility, and thermodynamic stability) indicates that this missense variant is not expected to disrupt ZIC2 protein function with a negative predictive value of 80%. In summary, the available evidence is currently insufficient to determine the role of this variant in disease. Therefore, it has been classified as a Variant of Uncertain Significance.

NM_007129.5(ZIC2):c.451T>G (p.Ser151Ala)

Gene: ZIC2 (Zic family zinc finger 2; plus strand). Cytogenetic location: 13q32.3.
Variant type: single nucleotide variant.
Coding change: c.451T>G on transcript NM_007129.5 (MANE Select); coding-DNA position 451, T replaced by G.
Protein change: p.Ser151Ala; replaces serine 151 with alanine.
Molecular consequence: missense variant.
Genome position (GRCh38, 1-based): chr13:99,982,515, T>G. VCF-style: chr13-99982515-T-G. GRCh37 (hg19) VCF-style: chr13-100634769-T-G.
Other names: short protein forms S151A.
Identifiers: ClinVar variation 4805760 (VCV004805760.1).
Genomic context (GRCh38, chr13:99,982,515, plus strand): 5'-CCGGGCGGCGGGCAGCACGGGCTGTTCGGGCCGGGCGCGGGCGGCCTGCACCACGCGCAC[T>G]CGGACGCGCAGGGCCACCTCCTCTTCCCGGGCCTGCCAGAGCAGCACGGGCCGCACGGCT-3'
Protein context (NP_009060.2, residues 141-161): PGAGGLHHAH[Ser151Ala]DAQGHLLFPG